The following is an entry in ClinVar:

ClinVar aggregate classification (germline): Uncertain significance (1 of 4 stars; one submission).

Submission:

GeneDx
Classification: Uncertain significance. Last evaluated: 2023-04-06. Review status: criteria provided, single submitter. Criteria: GeneDx Variant Classification Process June 2021. Collection method: clinical testing. Allele origin: germline. Affected: yes.
Comment: Not observed at significant frequency in large population cohorts (gnomAD); In silico analysis supports that this missense variant has a deleterious effect on protein structure/function; Has not been previously published as pathogenic or benign to our knowledge

NM_004859.4(CLTC):c.4403A>T (p.Asn1468Ile)

Genes: CLTC (clathrin heavy chain; plus strand), LOC126862609 (CDK7 strongly-dependent group 2 enhancer GRCh37_chr17:57760547-57761746; plus strand). Cytogenetic location: 17q23.1.
Variant type: single nucleotide variant.
Coding change: c.4403A>T on transcript NM_004859.4 (MANE Select); coding-DNA position 4403, A replaced by T.
Protein change: p.Asn1468Ile; replaces asparagine 1468 with isoleucine.
Molecular consequence: missense variant.
Genome position (GRCh38, 1-based): chr17:59,683,954, A>T. VCF-style: chr17-59683954-A-T. GRCh37 (hg19) VCF-style: chr17-57761315-A-T.
Other names: c.4415A>T, p.Asn1472Ile (NM_001288653.2); short protein forms N1468I, N1472I.
Identifiers: ClinVar variation 2662445 (VCV002662445.1), dbSNP rs2509155608, ClinGen allele CA400421548.